The following is an entry in ClinVar:

ClinVar aggregate classification (germline): Pathogenic/Likely pathogenic. Review status: criteria provided, multiple submitters, no conflicts (2 of 4 stars). 3 submissions from 3 submitters: Pathogenic (1); Likely pathogenic (1). 1 of the submissions does not count toward it. Last evaluated 2024-12-24.

Conditions:
Retinitis pigmentosa 64 (RP64). Identifiers: MedGen C3281046, MONDO:0800359.

Allele frequency attached by ClinVar (database versions not stated): TOPMed below 0.00001; ExAC 0.00001; gnomAD exomes 0.00001.
gnomAD v4.1: 4 of 1,614,208 alleles (0.00025%); highest among the groups gnomAD compares: South Asian, 0.0011%; no homozygotes.

Submissions (3):

Labcorp Genetics (formerly Invitae), Labcorp
Classification: Pathogenic. Last evaluated: 2024-12-24. Review status: criteria provided, single submitter. Criteria: Invitae Variant Classification Sherloc (09022015). Collection method: clinical testing. Allele origin: germline.
Comment: This sequence change creates a premature translational stop signal (p.Trp185*) in the C8orf37 gene. While this is not anticipated to result in nonsense mediated decay, it is expected to disrupt the last 23 amino acid(s) of the C8orf37 protein. This variant is present in population databases (rs748014296, gnomAD 0.002%). This premature translational stop signal has been observed in individual(s) with clinical features of inherited retinal dystrophy (PMID: 25802487, 29843741). It has also been observed to segregate with disease in related individuals. ClinVar contains an entry for this variant (Variation ID: 417788). This variant disrupts a region of the C8orf37 protein in which other variant(s) (p.Trp202*) have been determined to be pathogenic (internal data). This suggests that this is a clinically significant region of the protein, and that variants that disrupt it are likely to be disease-causing. For these reasons, this variant has been classified as Pathogenic.

GeneDx
Classification: Likely pathogenic. Last evaluated: 2023-03-10. Review status: criteria provided, single submitter. Criteria: GeneDx Variant Classification Process June 2021. Collection method: clinical testing. Allele origin: germline. Affected: yes.
Comment: Nonsense variant in the C-terminus predicted to result in protein truncation, as the last 23 amino acids are lost, and other loss-of-function variants have been reported downstream in the Human Gene Mutation Database (HGMD); Not observed at a significant frequency in large population cohorts (gnomAD); This variant is associated with the following publications: (PMID: 25802487, 29843741, 31980526)

OMIM
Classification: Pathogenic for RETINITIS PIGMENTOSA 64. Last evaluated: 2017-03-28. Review status: no assertion criteria provided. Collection method: literature only. Allele origin: germline. Not counted in ClinVar's aggregate classification.

Literature cited by the submitters: PubMed 25802487 (cited by Labcorp Genetics (formerly Invitae), Labcorp and OMIM); PubMed 29843741 (cited by Labcorp Genetics (formerly Invitae), Labcorp).

NM_177965.4(CFAP418):c.555G>A (p.Trp185Ter)

Gene: CFAP418 (cilia and flagella associated protein 418; minus strand). Cytogenetic location: 8q22.1.
Variant type: single nucleotide variant.
Coding change: c.555G>A on transcript NM_177965.4 (MANE Select); coding-DNA position 555, G replaced by A.
Protein change: p.Trp185Ter; replaces tryptophan 185 with a stop codon.
Molecular consequence: nonsense.
Genome position (GRCh38, 1-based): chr8:95,247,686, C>T on the plus strand (G>A on the coding strand, the complement: CFAP418 is on the minus strand). VCF-style: chr8-95247686-C-T. GRCh37 (hg19) VCF-style: chr8-96259914-C-T.
Other names: C8ORF37, TRP185TER; c.459G>A, p.Trp153Ter (NM_001363260.1); short protein forms W185*, W153*.
Identifiers: ClinVar variation 417788 (VCV000417788.14), dbSNP rs748014296, ClinGen allele CA4815113.